The following is an entry in ClinVar:

NM_001378414.1(HDAC4):c.1707G>C (p.Glu569Asp)

Gene: HDAC4 (histone deacetylase 4; minus strand). Cytogenetic location: 2q37.3.
Variant type: single nucleotide variant.
Coding change: c.1707G>C on transcript NM_001378414.1 (MANE Select); coding-DNA position 1707, G replaced by C.
Protein change: p.Glu569Asp; replaces glutamic acid 569 with aspartic acid.
Molecular consequence: missense variant.
Genome position (GRCh38, 1-based): chr2:239,115,137, C>G on the plus strand (G>C on the coding strand, the complement: HDAC4 is on the minus strand). VCF-style: chr2-239115137-C-G. GRCh37 (hg19) VCF-style: chr2-240036833-C-G.
Other names: c.1707G>C, p.Glu569Asp (NM_001378415.1); c.1692G>C, p.Glu564Asp (NM_001378416.1, NM_001378417.1, NM_006037.4); short protein forms E564D, E569D.
Identifiers: ClinVar variation 1499214 (VCV001499214.6), dbSNP rs2039016840, ClinGen allele CA351268715.

ClinVar aggregate classification (germline): Uncertain significance (1 of 4 stars; one submission).

Allele frequency attached by ClinVar (database versions not stated): gnomAD exomes below 0.00001; TOPMed below 0.00001.
gnomAD v4.1: 7 of 1,611,890 alleles (0.00043%); highest among the groups gnomAD compares: Admixed American, 0.01%; no homozygotes.

Submission:

Labcorp Genetics (formerly Invitae), Labcorp
Classification: Uncertain significance. Last evaluated: 2022-07-05. Review status: criteria provided, single submitter. Criteria: Invitae Variant Classification Sherloc (09022015). Collection method: clinical testing. Allele origin: germline.
Comment: In summary, the available evidence is currently insufficient to determine the role of this variant in disease. Therefore, it has been classified as a Variant of Uncertain Significance. Algorithms developed to predict the effect of missense changes on protein structure and function (SIFT, PolyPhen-2, Align-GVGD) all suggest that this variant is likely to be tolerated. ClinVar contains an entry for this variant (Variation ID: 1499214). This variant has not been reported in the literature in individuals affected with HDAC4-related conditions. This variant is not present in population databases (gnomAD no frequency). This sequence change replaces glutamic acid, which is acidic and polar, with aspartic acid, which is acidic and polar, at codon 564 of the HDAC4 protein (p.Glu564Asp).